The following is an entry in ClinVar:

ClinVar aggregate classification (germline): Uncertain significance. Review status: criteria provided, multiple submitters, no conflicts (2 of 4 stars). 5 submissions from 5 submitters: Uncertain significance (5). Last evaluated 2025-08-29.

Conditions:
Hereditary cancer-predisposing syndrome. Also called: Hereditary neoplastic syndrome; Hereditary Cancer Syndrome; Neoplastic Syndromes, Hereditary; Tumor predisposition. Identifiers: Orphanet 140162, MedGen C0027672, MeSH D009386, MONDO:0015356.
Breast-ovarian cancer, familial, susceptibility to, 4. Identifiers: Orphanet 145, MedGen C3280345, MONDO:0013669, OMIM 614291.

gnomAD v4.1: 10 of 1,560,160 alleles (0.00064%); highest among the groups gnomAD compares: South Asian, 0.0089%; no homozygotes.

Submissions (5):

Labcorp Genetics (formerly Invitae), Labcorp
Classification: Uncertain significance for Breast-ovarian cancer, familial, susceptibility to, 4. Last evaluated: 2025-08-29. Review status: criteria provided, single submitter. Criteria: Invitae Variant Classification Sherloc (09022015). Collection method: clinical testing. Allele origin: germline.
Comment: This sequence change replaces glycine, which is neutral and non-polar, with alanine, which is neutral and non-polar, at codon 110 of the RAD51D protein (p.Gly110Ala). This variant is present in population databases (rs587780103, gnomAD 0.003%). This missense change has been observed in individual(s) with breast and/or ovarian cancer (PMID: 29470806). ClinVar contains an entry for this variant (Variation ID: 229820). Invitae Evidence Modeling of protein sequence and biophysical properties (such as structural, functional, and spatial information, amino acid conservation, physicochemical variation, residue mobility, and thermodynamic stability) indicates that this missense variant is not expected to disrupt RAD51D protein function with a negative predictive value of 80%. In summary, the available evidence is currently insufficient to determine the role of this variant in disease. Therefore, it has been classified as a Variant of Uncertain Significance.

Ambry Genetics
Classification: Uncertain significance for Hereditary cancer-predisposing syndrome. Last evaluated: 2024-07-01. Review status: criteria provided, single submitter. Criteria: Ambry Variant Classification Scheme 2023. Collection method: clinical testing. Allele origin: germline.
Comment: The p.G110A variant (also known as c.329G>C), located in coding exon 4 of the RAD51D gene, results from a G to C substitution at nucleotide position 329. The glycine at codon 110 is replaced by alanine, an amino acid with similar properties. This amino acid position is well conserved in available vertebrate species. In addition, this alteration is predicted to be tolerated by in silico analysis. Based on the available evidence, the clinical significance of this variant remains unclear.

Color Diagnostics, LLC DBA Color Health
Classification: Uncertain significance for Hereditary cancer-predisposing syndrome. Last evaluated: 2024-06-25. Review status: criteria provided, single submitter. Criteria: ACMG Guidelines, 2015. Collection method: clinical testing. Allele origin: germline.
Comment: This missense variant replaces glycine with alanine at codon 110 of the RAD51D protein. Computational prediction suggests that this variant may not impact protein structure and function. To our knowledge, functional studies have not been reported for this variant. This variant has been reported in an individual affected with breast and/or ovarian (PMID: 29470806). This variant has been identified in 1/251280 chromosomes in the general population by the Genome Aggregation Database (gnomAD). The available evidence is insufficient to determine the role of this variant in disease conclusively. Therefore, this variant is classified as a Variant of Uncertain Significance.

GeneDx
Classification: Uncertain significance. Last evaluated: 2024-01-04. Review status: criteria provided, single submitter. Criteria: GeneDx Variant Classification Process June 2021. Collection method: clinical testing. Allele origin: germline. Affected: yes.
Comment: Not observed at significant frequency in large population cohorts (gnomAD); In silico analysis supports that this missense variant does not alter protein structure/function; Observed in an individual with breast and/or ovarian cancer (PMID: 29470806); This variant is associated with the following publications: (PMID: 14704354, 21111057, 29470806)

Baylor Genetics
Classification: Uncertain significance for Breast-ovarian cancer, familial, susceptibility to, 4. Last evaluated: 2023-06-20. Review status: criteria provided, single submitter. Criteria: ACMG Guidelines, 2015. Collection method: clinical testing. Allele origin: unknown.

Literature cited by the submitters: PubMed 29470806 (cited by Labcorp Genetics (formerly Invitae), Labcorp and Color Diagnostics, LLC DBA Color Health).

NM_002878.4(RAD51D):c.329G>C (p.Gly110Ala)

Genes: RAD51D (RAD51 paralog D; minus strand), RAD51L3-RFFL (RAD51L3-RFFL readthrough; minus strand). Cytogenetic location: 17q12.
Variant type: single nucleotide variant.
Coding change: c.329G>C on transcript NM_002878.4 (MANE Select); coding-DNA position 329, G replaced by C.
Protein change: p.Gly110Ala; replaces glycine 110 with alanine.
Molecular consequence: missense variant. On other transcripts: non-coding transcript variant (2), intron variant (1).
Genome position (GRCh38, 1-based): chr17:35,107,382, C>G on the plus strand (G>C on the coding strand, the complement: RAD51D is on the minus strand). VCF-style: chr17-35107382-C-G. GRCh37 (hg19) VCF-style: chr17-33434401-C-G.
Other names: c.389G>C, p.Gly130Ala (NM_001142571.2); c.145-901G>C (NM_133629.3); short protein forms G110A, G130A.
Identifiers: ClinVar variation 229820 (VCV000229820.21), dbSNP rs587780103, ClinGen allele CA8499513.